The following is an entry in ClinVar:

NM_015267.4(CUX2):c.560+3G>A

Gene: CUX2 (cut like homeobox 2; plus strand). Cytogenetic location: 12q24.11.
Variant type: single nucleotide variant.
Coding change: c.560+3G>A on transcript NM_015267.4 (MANE Select); 3 bases into the intron after coding-DNA position 560, G replaced by A.
Molecular consequence: intron variant.
Genome position (GRCh38, 1-based): chr12:111,293,572, G>A. VCF-style: chr12-111293572-G-A. GRCh37 (hg19) VCF-style: chr12-111731376-G-A.
Other names: c.374+3G>A (NM_001370598.1).
Identifiers: ClinVar variation 750343 (VCV000750343.8), dbSNP rs371759572, ClinGen allele CA6788390.
Genomic context (GRCh38, chr12:111,293,572, plus strand): 5'-CCGGGAAAGCCCTCCTGACAGAAACCTTGCTGCAGAGAAATGAGGCGGAAAAACAAAAGT[G>A]AGGAAGGGAAGGTGGGTGGGAGGGAGGAAGGAATGGGCAGGGCTCCTGCTGCCCCACCTG-3'

ClinVar aggregate classification (germline): Benign/Likely benign. Review status: criteria provided, multiple submitters, no conflicts (2 of 4 stars). 4 submissions from 4 submitters: Benign (1); Likely benign (2). 1 of the submissions does not count toward it. Last evaluated 2024-11-19.

Conditions:
CUX2-related disorder. Also called: CUX2-related condition.
Developmental and epileptic encephalopathy, 67. Also called: EPILEPTIC ENCEPHALOPATHY, EARLY INFANTILE, 67. Identifiers: MedGen C4748341, MONDO:0029138, OMIM 618141.

Allele frequency attached by ClinVar (database versions not stated): gnomAD 0.00001 and 0.00028; TOPMed 0.00006; gnomAD exomes 0.00050 and 0.00118; ExAC 0.00285; 1000 Genomes Project 30x 0.00312; 1000 Genomes Project 0.00339.
gnomAD v4.1: 752 of 1,572,452 alleles (0.048%); highest among the groups gnomAD compares: South Asian, 0.83%; 8 homozygotes.

Submissions (4):

Blueprint Genetics
Classification: Likely benign. Last evaluated: 2024-11-19. Review status: criteria provided, single submitter. Criteria: ACMG Guidelines, 2015. Collection method: clinical testing. Allele origin: germline.

Fulgent Genetics
Classification: Likely benign for Developmental and epileptic encephalopathy, 67. Last evaluated: 2021-07-24. Review status: criteria provided, single submitter. Criteria: ACMG Guidelines, 2015. Collection method: clinical testing. Allele origin: unknown.

Labcorp Genetics (formerly Invitae), Labcorp
Classification: Benign. Last evaluated: 2019-12-31. Review status: criteria provided, single submitter. Criteria: Invitae Variant Classification Sherloc (09022015). Collection method: clinical testing. Allele origin: germline.

PreventionGenetics, part of Exact Sciences
Classification: Benign for CUX2-related condition. Last evaluated: 2019-05-08. Review status: no assertion criteria provided. Collection method: clinical testing. Allele origin: germline. Not counted in ClinVar's aggregate classification.
Comment: This variant is classified as benign based on ACMG/AMP sequence variant interpretation guidelines (Richards et al. 2015 PMID: 25741868, with internal and published modifications).